The following is an entry in ClinVar:

ClinVar aggregate classification (germline): Conflicting classifications of pathogenicity. Review status: criteria provided, conflicting classifications (1 of 4 stars). 16 submissions from 14 submitters: Uncertain significance (12); Likely benign (2). 2 of the submissions do not count toward it. Last evaluated 2025-04-10.

Conditions:
Autoinflammatory syndrome. Identifiers: Orphanet 93665, MedGen C3890737, MONDO:0019751.
Acute febrile neutrophilic dermatosis (AFND). Also called: Sweet Syndrome; Gomm Button disease. Identifiers: Orphanet 3243, MedGen C0085077, MONDO:0011959, OMIM 608068.
Familial Mediterranean fever (FMF). Also called: POLYSEROSITIS, FAMILIAL PAROXYSMAL; POLYSEROSITIS, RECURRENT; Periodic peritonitis; Benign paroxysmal peritonitis. Identifiers: Orphanet 342, MedGen C0031069, MONDO:0018088, OMIM 249100. Disease mechanism: gain of function.
Familial Mediterranean fever, autosomal dominant. Also called: FMF, AUTOSOMAL DOMINANT; Dominant Familial Mediterranean Fever. Identifiers: Orphanet 342, MedGen C1851347, MONDO:0007601, OMIM 134610.
Inborn genetic diseases. Identifiers: MedGen C0950123, MeSH D030342.

Allele frequency attached by ClinVar (database versions not stated): gnomAD 0.00001.
gnomAD v4.1: 15 of 1,612,830 alleles (0.00093%); highest among the groups gnomAD compares: Middle Eastern, 0.099%; no homozygotes.

Submissions (16):

GeneDx
Classification: Uncertain significance. Last evaluated: 2025-04-10. Review status: criteria provided, single submitter. Criteria: GeneDx Variant Classification Process June 2021. Collection method: clinical testing. Allele origin: germline. Affected: yes.
Comment: Observed in the heterozygous state in patients with MEFV-related periodic fever syndromes, often in individuals also heterozygous for the p.(V726A) variant, but it is not known whether the variants occurred on the same (in cis) or on different (in trans) chromosomes (PMID: 16378925, 25793047, 26215181, 29047407); In silico analysis indicates that this missense variant does not alter protein structure/function; This variant is associated with the following publications: (PMID: 26215181, 25793047, 29047407, 23463692, 19786432, 22580583, 30476936, 33844039, El Hawary_2022, 16378925)

Women's Health and Genetics/Laboratory Corporation of America, LabCorp
Classification: Uncertain significance. Last evaluated: 2025-02-18. Review status: criteria provided, single submitter. Criteria: LabCorp Variant Classification Summary - May 2015. Collection method: clinical testing. Allele origin: germline.
Comment: Variant summary: MEFV c.322A>C (p.Ser108Arg) results in a non-conservative amino acid change in the encoded protein sequence. Four of five in-silico tools predict a benign effect of the variant on protein function. The variant allele was found at a frequency of 8.1e-06 in 247174 control chromosomes (gnomAD). The available data on variant occurrences in the general population are insufficient to allow any conclusion about variant significance. c.322A>C has been reported in the literature in individuals affected with Periodic Fever Syndrome (e.g. Gattorno_2009, Federici_2012) and familial Mediterranean fever (e.g. Medlej-Hashim_2005, Omenetti_2014, Ozen_2014, Papa_2017), without strong evidence for causality. These data do not allow any conclusion about variant significance. Co-occurrences with another pathogenic variant have been reported (example, Omenetti_2014) and observed at our laboratory (MEFV c.2177T>C, p.Val726Ala), providing supporting evidence for a benign role. To our knowledge, no experimental evidence demonstrating an impact on protein function has been reported. The following publications have been ascertained in the context of this evaluation (PMID: 31411330, 22580583, 26247045, 19786432, 26215181, 28421071, 16378925, 23505242, 23463692, 29047407, 18691160, 24117178, 25793047, 24381109, 21358337, 29599418). ClinVar contains an entry for this variant (Variation ID: 97515). Based on the evidence outlined above, the variant was classified as uncertain significance.

ARUP Laboratories, Molecular Genetics and Genomics, ARUP Laboratories
Classification: Uncertain significance. Last evaluated: 2024-11-12. Review status: criteria provided, single submitter. Criteria: ARUP Molecular Germline Variant Investigation Process 2024. Collection method: clinical testing. Allele origin: germline.
Comment: The MEFV c.322A>C; p.Ser108Arg variant (rs104895103, ClinVar ID: 97515) is reported in the literature in multiple individuals with MEFV-related periodic fever syndromes and has been reported as compound heterozygous with the pathogenic V726A allele (Federici 2012, Gattorno 2009, Kilinc 2016, Medlej-Hashim 2005). This variant is only observed on two alleles in the Genome Aggregation Database (v2.1.1), indicating it is not a common polymorphism. Computational analyses are uncertain whether this variant is neutral or deleterious (REVEL: 0.401). Due to limited information, the clinical significance of this variant is uncertain at this time. References: Federici S et al. Clinical impact of MEFV mutations in children with periodic fever in a prevalent western European Caucasian population. Ann Rheum Dis. 2012 Dec;71(12):1961-5. PMID: 22580583. Gattorno M et al. Differentiating PFAPA syndrome from monogenic periodic fevers. Pediatrics. 2009 Oct;124(4):e721-8. PMID: 19786432. Kilinc M et al. The report of sequence analysis on familial Mediterranean fever gene (MEFV) in South-eastern Mediterranean region (Kahramanmaras) of Turkey. Rheumatol Int. 2016 Jan;36(1):25-31. PMID: 26215181. Medlej-Hashim M et al. Familial Mediterranean fever (FMF) in Lebanon and Jordan: a population genetics study and report of three novel mutations. Eur J Med Genet. 2005 Oct-Dec;48(4):412-20. PMID: 16378925.

Labcorp Genetics (formerly Invitae), Labcorp
Classification: Uncertain significance for Familial Mediterranean fever. Last evaluated: 2024-07-31. Review status: criteria provided, single submitter. Criteria: Invitae Variant Classification Sherloc (09022015). Collection method: clinical testing. Allele origin: germline.
Comment: This sequence change replaces serine, which is neutral and polar, with arginine, which is basic and polar, at codon 108 of the MEFV protein (p.Ser108Arg). This variant is present in population databases (rs104895103, gnomAD 0.01%). This missense change has been observed in individual(s) with familial Mediterranean fever (FMF) (PMID: 16378925, 19786432, 29047407). ClinVar contains an entry for this variant (Variation ID: 97515). An algorithm developed to predict the effect of missense changes on protein structure and function (PolyPhen-2) suggests that this variant¬†is likely to be tolerated. In summary, the available evidence is currently insufficient to determine the role of this variant in disease. Therefore, it has been classified as a Variant of Uncertain Significance.

Blueprint Genetics
Classification: Uncertain significance. Last evaluated: 2024-05-28. Review status: criteria provided, single submitter. Criteria: ACMG Guidelines, 2015. Collection method: clinical testing. Allele origin: germline.

Genome-Nilou Lab
Classification: Uncertain significance for Familial Mediterranean fever. Last evaluated: 2023-02-08. Review status: criteria provided, single submitter. Criteria: ACMG Guidelines, 2015. Collection method: clinical testing. Allele origin: germline.

Genome-Nilou Lab
Classification: Likely benign for Familial Mediterranean fever, autosomal dominant. Last evaluated: 2023-02-08. Review status: criteria provided, single submitter. Criteria: ACMG Guidelines, 2015. Collection method: clinical testing. Allele origin: germline.

Genome-Nilou Lab
Classification: Likely benign for Acute febrile neutrophilic dermatosis. Last evaluated: 2023-02-08. Review status: criteria provided, single submitter. Criteria: ACMG Guidelines, 2015. Collection method: clinical testing. Allele origin: germline.

Fulgent Genetics
Classification: Uncertain significance for Familial Mediterranean fever, autosomal dominant; Familial Mediterranean fever; Acute febrile neutrophilic dermatosis. Last evaluated: 2022-04-05. Review status: criteria provided, single submitter. Criteria: ACMG Guidelines, 2015. Collection method: clinical testing. Allele origin: unknown.

3billion
Classification: Uncertain significance for Familial Mediterranean fever. Last evaluated: 2022-03-22. Review status: criteria provided, single submitter. Criteria: ACMG Guidelines, 2015. Collection method: clinical testing. Allele origin: germline. Affected: yes. Observed: 1 heterozygote.
Comment: The variant is observed at an extremely low frequency in the gnomAD v2.1.1 dataset (total allele frequency: 0.0000081). A missense variant is a common mechanism. Same nucleotide change resulting in same amino acid change has been previously reported to be associated with MEFV related disorder (PMID:16378925). Therefore, this variant is classified as uncertain significance according to the recommendation of ACMG/AMP guideline.

Genome Diagnostics Laboratory, The Hospital for Sick Children
Classification: Uncertain significance for Autoinflammatory syndrome. Last evaluated: 2020-03-01. Review status: criteria provided, single submitter. Criteria: ACMG Guidelines, 2015. Collection method: clinical testing. Allele origin: germline. Affected: yes.

CeGaT Center for Human Genetics Tuebingen
Classification: Uncertain significance. Last evaluated: 2020-01-01. Review status: criteria provided, single submitter. Criteria: CeGaT Center For Human Genetics Tuebingen Variant Classification Criteria Version 2. Collection method: clinical testing. Allele origin: germline. Affected: yes. Observed: 1 variant allele.

Mendelics
Classification: Uncertain significance for Familial Mediterranean fever. Last evaluated: 2019-05-28. Review status: criteria provided, single submitter. Criteria: Mendelics Assertion Criteria 2017. Collection method: clinical testing. Allele origin: unknown.

Ambry Genetics
Classification: Uncertain significance for Inborn genetic diseases. Last evaluated: 2016-04-01. Review status: criteria provided, single submitter. Criteria: Ambry Variant Classification Scheme 2023. Collection method: clinical testing. Allele origin: germline.
Comment: The p.S108R variant (also known as c.322A>C), located in coding exon 2 of the MEFV gene, results from an A to C substitution at nucleotide position 322. The serine at codon 108 is replaced by arginine, an amino acid with dissimilar properties. In one study, this variant was detected in two individuals with FMF; one individual also had the p.V726A pathogenic mutation and the second individual had two additional alterations in the MEFV gene. The phase of these alterations (whether in cis or trans) is not known (Medlej-Hashim M, Eur J Med Genet ; 48(4):412-20). This variant was previously reported in the SNPDatabase as rs104895103. This amino acid position is poorly conserved in available vertebrate species. In addition, in silico predictors for this gene do not accurately predict pathogenicity. Since supporting evidence is limited at this time, the clinical significance of this variant remains unclear.

Natera, Inc.
Classification: Uncertain significance for Familial Mediterranean fever. Last evaluated: 2020-09-16. Review status: no assertion criteria provided. Collection method: clinical testing. Allele origin: germline. Not counted in ClinVar's aggregate classification.

Unité médicale des maladies autoinflammatoires, CHRU Montpellier
No classification provided. Condition: Familial Mediterranean fever. Review status: no classification provided. Collection method: not provided. Allele origin: unknown. Not counted in ClinVar's aggregate classification.

Literature cited by the submitters: PubMed 18691160 (cited by Women's Health and Genetics/Laboratory Corporation of America, LabCorp); PubMed 16378925 (cited by 4 submitters); PubMed 21358337 (cited by Women's Health and Genetics/Laboratory Corporation of America, LabCorp); PubMed 23463692 (cited by Women's Health and Genetics/Laboratory Corporation of America, LabCorp); PubMed 24117178 (cited by Women's Health and Genetics/Laboratory Corporation of America, LabCorp); PubMed 26247045 (cited by Women's Health and Genetics/Laboratory Corporation of America, LabCorp); PubMed 19786432 (cited by Women's Health and Genetics/Laboratory Corporation of America, LabCorp and Labcorp Genetics (formerly Invitae), Labcorp); PubMed 22580583 (cited by Women's Health and Genetics/Laboratory Corporation of America, LabCorp); PubMed 26215181 (cited by Women's Health and Genetics/Laboratory Corporation of America, LabCorp); PubMed 25793047 (cited by Women's Health and Genetics/Laboratory Corporation of America, LabCorp); PubMed 28421071 (cited by Women's Health and Genetics/Laboratory Corporation of America, LabCorp); PubMed 24381109 (cited by Women's Health and Genetics/Laboratory Corporation of America, LabCorp); PubMed 29047407 (cited by Women's Health and Genetics/Laboratory Corporation of America, LabCorp and Labcorp Genetics (formerly Invitae), Labcorp); PubMed 23505242 (cited by Women's Health and Genetics/Laboratory Corporation of America, LabCorp); PubMed 29599418 (cited by Women's Health and Genetics/Laboratory Corporation of America, LabCorp); PubMed 31411330 (cited by Women's Health and Genetics/Laboratory Corporation of America, LabCorp).

NM_000243.3(MEFV):c.322A>C (p.Ser108Arg)

Gene: MEFV (MEFV innate immunity regulator, pyrin; minus strand). Cytogenetic location: 16p13.3.
Variant type: single nucleotide variant.
Coding change: c.322A>C on transcript NM_000243.3 (MANE Select); coding-DNA position 322, A replaced by C.
Protein change: p.Ser108Arg; replaces serine 108 with arginine.
Molecular consequence: missense variant. On other transcripts: intron variant (1).
Genome position (GRCh38, 1-based): chr16:3,254,746, T>G on the plus strand (A>C on the coding strand, the complement: MEFV is on the minus strand). VCF-style: chr16-3254746-T-G. GRCh37 (hg19) VCF-style: chr16-3304746-T-G.
Other names: c.277+1565A>C (NM_001198536.2); short protein forms S108R.
Identifiers: ClinVar variation 97515 (VCV000097515.71), dbSNP rs104895103, ClinGen allele CA280583.
Genomic context (GRCh38, chr16:3,254,746, plus strand): 5'-CGTTCCCCTCGGGGTGGTCTGGAGTCTTCAGGCTCCTGGGCTTGTTCTCCCCCAGGGAGC[T>G]GGACGCTGCGGAATCATCTGTGCCGTTTTCTTGTGTGGAATATTCTGGAAGGACAACCAG-3'
Protein context (NP_000234.1, residues 98-118): ENGTDDSAAS[Ser108Arg]SLGENKPRSL